The following is an entry in ClinVar:

NM_002900.3(RBP3):c.2360G>A (p.Gly787Asp)

Gene: RBP3 (retinol binding protein 3; plus strand). Cytogenetic location: 10q11.22.
Variant type: single nucleotide variant.
Coding change: c.2360G>A on transcript NM_002900.3 (MANE Select); coding-DNA position 2360, G replaced by A.
Protein change: p.Gly787Asp; replaces glycine 787 with aspartic acid.
Molecular consequence: missense variant.
Genome position (GRCh38, 1-based): chr10:47,350,844, G>A. VCF-style: chr10-47350844-G-A. GRCh37 (hg19) VCF-style: chr10-48388518-C-T.
Other names: short protein forms G787D.
Identifiers: ClinVar variation 939343 (VCV000939343.9), dbSNP rs200368290, ClinGen allele CA206464739.

ClinVar aggregate classification (germline): Uncertain significance (1 of 4 stars; one submission).

Submission:

Labcorp Genetics (formerly Invitae), Labcorp
Classification: Uncertain significance. Last evaluated: 2019-08-27. Review status: criteria provided, single submitter. Criteria: Invitae Variant Classification Sherloc (09022015). Collection method: clinical testing. Allele origin: germline.
Comment: In summary, the available evidence is currently insufficient to determine the role of this variant in disease. Therefore, it has been classified as a Variant of Uncertain Significance. Algorithms developed to predict the effect of missense changes on protein structure and function are either unavailable or do not agree on the potential impact of this missense change (SIFT: "Deleterious"; PolyPhen-2: "Probably Damaging"; Align-GVGD: "Class C0"). This variant has not been reported in the literature in individuals with RBP3-related conditions. This variant is not present in population databases (ExAC no frequency). This sequence change replaces glycine with aspartic acid at codon 787 of the RBP3 protein (p.Gly787Asp). The glycine residue is highly conserved and there is a moderate physicochemical difference between glycine and aspartic acid.